The following is an entry in ClinVar:

NM_007294.4(BRCA1):c.3084dup (p.Asn1029Ter)

Gene: BRCA1 (BRCA1 DNA repair associated; minus strand). Cytogenetic location: 17q21.31.
Variant type: Duplication.
Coding change: c.3084dup on transcript NM_007294.4 (MANE Select); coding-DNA position 3084, one base duplicated (T; older notation c.3084dupT).
Protein change: p.Asn1029Ter; replaces asparagine 1029 with a stop codon.
Molecular consequence: nonsense. On other transcripts: intron variant (137), frameshift variant (1).
Genome position (GRCh38, 1-based): chr17:43,092,447, A duplicated on the plus strand (T on the coding strand, the reverse complement: BRCA1 is on the minus strand). VCF-style (leftmost placement, unchanged base first): chr17-43092446-T-TA. GRCh37 (hg19) VCF-style: chr17-41244463-T-TA.
Other names: c.3084dup, p.Asn1029Ter (NM_001407585.1, NM_001407593.1, NM_001407594.1 and 30 more transcripts); c.707-1415dup (NM_001408416.1, NM_001408413.1); c.578-1415dup (NM_001408484.1, NM_001408478.1, NM_001408514.1 and 9 more transcripts); c.3081dup, p.Asn1028Ter (NM_001407587.1, NM_001407590.1, NM_001407591.1 and 22 more transcripts); c.662-1415dup (NM_001408450.1, NM_001408434.1, NM_001408447.1 and 6 more transcripts); c.785-1415dup (NM_001408398.1, NM_001407992.1, NM_001408392.1 and 13 more transcripts); c.665-1415dup (NM_001408440.1, NM_001408428.1, NM_001408442.1 and 12 more transcripts); c.671-1415dup (NM_001408418.1, NM_001408423.1, NM_001408420.1 and 2 more transcripts); and 42 more; short protein forms N1026*, N1028*, N1029*, N901*, N958*, N981*, N902*, N941*.
Identifiers: ClinVar variation 4625576 (VCV004625576.1).
Genomic context (GRCh38, chr17:43,092,446, plus strand): 5'-AACCTACTTCATTAATATTGCTTGAGCTGGCTTCTTTAAAAACATTTTCTCTAATGTTAT[T>TA]ACGGCTAATTGTGCTCACTGTACTTGGAATGTTCTCATTTCCCATTTCTCTTTCAGGTGA-3'

ClinVar aggregate classification (germline): Pathogenic (1 of 4 stars; one submission).

Conditions:
Hereditary cancer-predisposing syndrome. Also called: Neoplastic Syndromes, Hereditary; Tumor predisposition; Hereditary Cancer Syndrome; Hereditary neoplastic syndrome. Identifiers: Orphanet 140162, MedGen C0027672, MeSH D009386, MONDO:0015356.

Submission:

Ambry Genetics
Classification: Pathogenic for Hereditary cancer-predisposing syndrome. Last evaluated: 2025-11-25. Review status: criteria provided, single submitter. Criteria: Ambry Variant Classification Scheme 2023. Collection method: clinical testing. Allele origin: germline.
Comment: The c.3084dupT pathogenic mutation, located in coding exon 9 of the BRCA1 gene, results from a duplication of T at nucleotide position 3084, causing a translational frameshift with a predicted alternate stop codon (p.N1029*). This variant is considered to be rare based on population cohorts in the Genome Aggregation Database (gnomAD). This alteration is expected to result in loss of function by premature protein truncation or nonsense-mediated mRNA decay. As such, this alteration is interpreted as a disease-causing mutation.